The following is an entry in ClinVar:

NM_000540.3(RYR1):c.7350C>T (p.Ala2450=)

Gene: RYR1 (ryanodine receptor 1; plus strand). Cytogenetic location: 19q13.2.
Variant type: single nucleotide variant.
Coding change: c.7350C>T on transcript NM_000540.3 (MANE Select); coding-DNA position 7350, C replaced by T.
Protein change: p.Ala2450=; no amino-acid change (alanine 2450 retained).
Molecular consequence: synonymous variant.
Genome position (GRCh38, 1-based): chr19:38,500,632, C>T. VCF-style: chr19-38500632-C-T. GRCh37 (hg19) VCF-style: chr19-38991272-C-T.
Other names: c.7350C>T, p.Ala2450= (NM_001042723.2).
Identifiers: ClinVar variation 3073563 (VCV003073563.1), dbSNP rs1469096661, ClinGen allele CA507243432.
Genomic context (GRCh38, chr19:38,500,632, plus strand): 5'-GATGAGTGCCCCTCTCCCTCCCTCTACTCCCCAGCTAATCCAAGCCGGCAAGGGTGAGGC[C>T]CTGCGGATCCGCGCCATCCTCCGCTCCCTTGTGCCCTTGGAGGACCTTGTGGGCATCATC-3'
Protein context (NP_000531.2, residues 2440-2460): MHLIQAGKGE[Ala2450=]LRIRAILRSL

ClinVar aggregate classification (germline): Likely benign (1 of 4 stars; one submission).

Conditions:
Malignant hyperthermia, susceptibility to, 1 (MHS1). Also called: Anesthesia related hyperthermia; Malignant hyperpyrexia; Fulminating hyperpyrexia; Pharmacogenic myopathy; RYR1-Related Malignant Hyperthermia Susceptibility; Malignant hyperthermia suceptibility 1. Identifiers: Orphanet 423, MedGen C2930980, MONDO:0007783, OMIM 145600.

Allele frequency attached by ClinVar (database versions not stated): gnomAD exomes below 0.00001.
gnomAD v4.1: 1 of 1,613,452 alleles (0.000062%); highest among the groups gnomAD compares: Non-Finnish European, 0.000085%; no homozygotes.

Submission:

All of Us Research Program, National Institutes of Health
Classification: Likely benign for Malignant hyperthermia, susceptibility to, 1. Last evaluated: 2023-10-02. Review status: criteria provided, single submitter. Criteria: ACMG Guidelines, 2015. Collection method: clinical testing. Allele origin: germline. Inheritance: Autosomal dominant inheritance. Observed: 1 variant allele, 1 heterozygote.
Comment: This study involves interpretation of variants in research participants for the purpose of population health screening. Participant phenotype was not available at the time of variant classification. Additional details can be found in publication PMID: 35346344, PMCID: PMC8962531